The following is an entry in ClinVar:

ClinVar aggregate classification (germline): Likely pathogenic. Review status: criteria provided, multiple submitters, no conflicts (2 of 4 stars). 2 submissions from 2 submitters: Likely pathogenic (2). Last evaluated 2024-07-23.

Conditions:
Thyroid dyshormonogenesis 6 (TDH6). Also called: HYPOTHYROIDISM, CONGENITAL, DUE TO DYSHORMONOGENESIS, 6; THYROID HORMONOGENESIS, GENETIC DEFECT IN, 6; Genetic transient congenital hypothyroidism. Identifiers: Orphanet 226316, Orphanet 95716, MedGen C1846632, MONDO:0011792, OMIM 607200.

Submissions (2):

Dasa
Classification: Likely pathogenic. Last evaluated: 2024-07-23. Review status: criteria provided, single submitter. Criteria: DASA Assertion Criteria. Collection method: clinical testing. Allele origin: germline.
Comment: NM_001363711.2(DUOX2):c.3010_3016del (p.Ala1004Profs*19) is a frameshift variant in DUOX2 predicted to alter the reading frame and introduce a premature termination codon and is predicted to result in an absent or altered protein product. Loss of function is an established disease mechanism for DUOX2-associated disorders. Also, this variant is absent from population databases. Based on the currently available evidence, this variant is classified as likely pathogenic.

Fulgent Genetics
Classification: Likely pathogenic for Thyroid dyshormonogenesis 6. Last evaluated: 2024-06-21. Review status: criteria provided, single submitter. Criteria: ACMG Guidelines, 2015. Collection method: clinical testing. Allele origin: germline.

NM_001363711.2(DUOX2):c.3010_3016del (p.Ala1004fs)

Gene: DUOX2 (dual oxidase 2; minus strand). Cytogenetic location: 15q21.1.
Variant type: Deletion.
Coding change: c.3010_3016del on transcript NM_001363711.2 (MANE Select); coding-DNA positions 3010 to 3016, 7 bases deleted (GCAGTGC; older notation c.3010_3016delGCAGTGC).
Protein change: p.Ala1004fs; shifts the reading frame from alanine 1004.
Molecular consequence: frameshift variant.
Genome position (GRCh38, 1-based): chr15:45,100,218-45,100,224, GCACTGC deleted on the plus strand (GCAGTGC on the coding strand, the reverse complement: DUOX2 is on the minus strand). VCF-style (leftmost placement, unchanged base first): chr15-45100217-GGCACTGC-G. GRCh37 (hg19) VCF-style: chr15-45392415-GGCACTGC-G.
Other names: c.3010_3016del (NM_014080.4); c.3010_3016del, p.Ala1004fs (NM_014080.5); short protein forms A1004fs.
Identifiers: ClinVar variation 3577186 (VCV003577186.3).